The following is an entry in ClinVar:

ClinVar aggregate classification (germline): Uncertain significance (1 of 4 stars; one submission).

Conditions:
Meckel-Gruber syndrome. Also called: DYSENCEPHALIA SPLANCHNOCYSTICA; GRUBER SYNDROME; Dysencephalia splachnocystica. Identifiers: Orphanet 564, MedGen C0265215, MONDO:0018921.
Joubert syndrome. Also called: CEREBELLOPARENCHYMAL DISORDER IV; JOUBERT-BOLTSHAUSER SYNDROME; Familial aplasia of the vermis. Identifiers: Orphanet 475, MedGen C5979921, MONDO:0018772.

Submission:

Labcorp Genetics (formerly Invitae), Labcorp
Classification: Uncertain significance for Joubert syndrome; Meckel-Gruber syndrome. Last evaluated: 2019-03-17. Review status: criteria provided, single submitter. Criteria: Invitae Variant Classification Sherloc (09022015). Collection method: clinical testing. Allele origin: germline.
Comment: This variant results in a copy number gain of the genomic region encompassing the full coding sequence of the TCTN2 gene. The boundaries of this event are unknown as they extend beyond the assayed region for this gene and therefore may encompass additional genes. As the precise location of this event is unknown, it may be in tandem or it may be located elsewhere in the genome. This variant has not been reported in the literature in individuals with TCTN2-related conditions. Experimental studies are not available for this variant, and the functional significance of a copy number gain of this gene is currently unknown. In summary, the available evidence is currently insufficient to determine the role of this variant in disease. Therefore, it has been classified as a Variant of Uncertain Significance.

NC_000012.12:g.(?_123671221)_(123707733_?)dup

Gene: TCTN2 (tectonic family member 2; plus strand). Cytogenetic location: 12q24.31.
Variant type: Duplication.
Identifiers: ClinVar variation 830884 (VCV000830884.1).